The following is an entry in ClinVar:

NM_014727.3(KMT2B):c.2327G>T (p.Arg776Leu)

Gene: KMT2B (lysine methyltransferase 2B; plus strand). Cytogenetic location: 19q13.12.
Variant type: single nucleotide variant.
Coding change: c.2327G>T on transcript NM_014727.3 (MANE Select); coding-DNA position 2327, G replaced by T.
Protein change: p.Arg776Leu; replaces arginine 776 with leucine.
Molecular consequence: missense variant.
Genome position (GRCh38, 1-based): chr19:35,721,674, G>T. VCF-style: chr19-35721674-G-T. GRCh37 (hg19) VCF-style: chr19-36212576-G-T.
Other names: short protein forms R776L.
Identifiers: ClinVar variation 3359547 (VCV003359547.1).

ClinVar aggregate classification (germline): Uncertain significance (1 of 4 stars; one submission).

gnomAD v4.1: 2 of 1,612,250 alleles (0.00012%); highest among the groups gnomAD compares: Middle Eastern, 0.033%; no homozygotes.

Submission:

GeneDx
Classification: Uncertain significance. Last evaluated: 2023-06-05. Review status: criteria provided, single submitter. Criteria: GeneDx Variant Classification Process June 2021. Collection method: clinical testing. Allele origin: germline. Affected: yes.
Comment: Not observed at significant frequency in large population cohorts (gnomAD); In silico analysis supports that this missense variant does not alter protein structure/function; Has not been previously published as pathogenic or benign to our knowledge